The following is an entry in ClinVar:

NM_030665.4(RAI1):c.3710G>A (p.Arg1237Gln)

Gene: RAI1 (retinoic acid induced 1; plus strand). Cytogenetic location: 17p11.2.
Variant type: single nucleotide variant.
Coding change: c.3710G>A on transcript NM_030665.4 (MANE Select); coding-DNA position 3710, G replaced by A.
Protein change: p.Arg1237Gln; replaces arginine 1237 with glutamine.
Molecular consequence: missense variant.
Genome position (GRCh38, 1-based): chr17:17,796,658, G>A. VCF-style: chr17-17796658-G-A. GRCh37 (hg19) VCF-style: chr17-17699972-G-A.
Other names: c.3710G>A (NM_030665.3); short protein forms R1237Q.
Identifiers: ClinVar variation 1671798 (VCV001671798.11), dbSNP rs572291411, ClinGen allele CA8418794.

ClinVar aggregate classification (germline): Benign/Likely benign. Review status: criteria provided, multiple submitters, no conflicts (2 of 4 stars). 3 submissions from 3 submitters: Benign (1); Likely benign (1). 1 of the submissions does not count toward it. Last evaluated 2025-02-26.

Conditions:
Inborn genetic diseases. Identifiers: MedGen C0950123, MeSH D030342.
RAI1-related disorder. Also called: RAI1-related condition.

Allele frequency attached by ClinVar (database versions not stated): gnomAD 0.00001 and 0.00002; gnomAD exomes 0.00002 and 0.00003; TOPMed 0.00002; ExAC 0.00003; 1000 Genomes Project 30x 0.00031; 1000 Genomes Project 0.00040.
gnomAD v4.1: 49 of 1,612,298 alleles (0.003%); highest among the groups gnomAD compares: African/African-American, 0.004%; no homozygotes.

Submissions (3):

Labcorp Genetics (formerly Invitae), Labcorp
Classification: Benign. Last evaluated: 2025-02-26. Review status: criteria provided, single submitter. Criteria: Invitae Variant Classification Sherloc (09022015). Collection method: clinical testing. Allele origin: germline.

Ambry Genetics
Classification: Likely benign for Inborn genetic diseases. Last evaluated: 2023-06-13. Review status: criteria provided, single submitter. Criteria: Ambry Variant Classification Scheme 2023. Collection method: clinical testing. Allele origin: germline.

PreventionGenetics, part of Exact Sciences
Classification: Likely benign for RAI1-related condition. Last evaluated: 2024-09-19. Review status: no assertion criteria provided. Collection method: clinical testing. Allele origin: germline. Not counted in ClinVar's aggregate classification.
Comment: This variant is classified as likely benign based on ACMG/AMP sequence variant interpretation guidelines (Richards et al. 2015 PMID: 25741868, with internal and published modifications).